The following is an entry in ClinVar:

ClinVar aggregate classification (germline): Pathogenic (1 of 4 stars; one submission).

Submission:

GeneDx
Classification: Pathogenic. Last evaluated: 2023-07-30. Review status: criteria provided, single submitter. Criteria: GeneDx Variant Classification Process June 2021. Collection method: clinical testing. Allele origin: germline. Affected: yes.
Comment: Not observed at significant frequency in large population cohorts (gnomAD); In silico analysis supports that this missense variant has a deleterious effect on protein structure/function; Has not been previously published as pathogenic or benign to our knowledge

NM_004984.4(KIF5A):c.263C>T (p.Thr88Ile)

Gene: KIF5A (kinesin family member 5A; plus strand). Cytogenetic location: 12q13.3.
Variant type: single nucleotide variant.
Coding change: c.263C>T on transcript NM_004984.4 (MANE Select); coding-DNA position 263, C replaced by T.
Protein change: p.Thr88Ile; replaces threonine 88 with isoleucine.
Molecular consequence: missense variant. On other transcripts: intron variant (1).
Genome position (GRCh38, 1-based): chr12:57,563,665, C>T. VCF-style: chr12-57563665-C-T. GRCh37 (hg19) VCF-style: chr12-57957448-C-T.
Other names: c.130-795C>T (NM_001354705.2); short protein forms T88I.
Identifiers: ClinVar variation 2574240 (VCV002574240.1), dbSNP rs2540493214, ClinGen allele CA385493504.